The following is an entry in ClinVar:

NM_000038.6(APC):c.2364_2379del (p.Gln789fs)

Gene: APC (APC regulator of Wnt signaling pathway; plus strand). Cytogenetic location: 5q22.2.
Variant type: Deletion.
Coding change: c.2364_2379del on transcript NM_000038.6 (MANE Select); coding-DNA positions 2364 to 2379, 16 bases deleted (GCAGAGACACAAGCAA).
Protein change: p.Gln789fs; shifts the reading frame from glutamine 789.
Molecular consequence: frameshift variant. On other transcripts: non-coding transcript variant (2).
Genome position (GRCh38, 1-based): chr5:112,837,958-112,837,973, GCAGAGACACAAGCAA deleted; deleting any 16 consecutive bases within chr5:112,837,956-112,837,973 gives the same sequence; the c. name uses the placement nearest the transcript's 3' end. VCF-style (leftmost placement, unchanged base first): chr5-112837955-TAAGCAGAGACACAAGC-T. GRCh37 (hg19) VCF-style: chr5-112173652-TAAGCAGAGACACAAGC-T.
Other names: c.2364_2379del, p.Gln789fs (NM_001127510.3, NM_001354895.2, NM_001407450.1); c.2310_2325del, p.Gln771fs (NM_001127511.3); c.2418_2433del, p.Gln807fs (NM_001354896.2, NM_001407447.1, NM_001407448.1 and 1 more transcripts); c.2394_2409del, p.Gln799fs (NM_001354897.2); c.2289_2304del, p.Gln764fs (NM_001354898.2); c.2280_2295del, p.Gln761fs (NM_001354899.2); c.2241_2256del, p.Gln748fs (NM_001354900.2); c.2187_2202del, p.Gln730fs (NM_001354901.2, NM_001407453.1); and 11 more; short protein forms Q405fs, Q506fs, Q629fs, Q660fs, Q663fs, Q688fs, Q698fs, Q706fs.
Identifiers: ClinVar variation 3390368 (VCV003390368.2).
Genomic context (GRCh38, chr5:112,837,955, plus strand): 5'-GCACTTATCAGAAACTTTTGACAATATAGACAATTTAAGTCCCAAGGCATCTCATCGTAG[TAAGCAGAGACACAAGC>T]AAAGTCTCTATGGTGATTATGTTTTTGACACCAATCGACATGATGATAATAGGTCAGACA-3'

ClinVar aggregate classification (germline): Pathogenic (1 of 4 stars; one submission).

Conditions:
Familial adenomatous polyposis 1 (FAP1). Also called: FAMILIAL ADENOMATOUS POLYPOSIS 1, ATTENUATED; POLYPOSIS, ADENOMATOUS INTESTINAL. Identifiers: MedGen C2713442, MONDO:0021056, OMIM 175100. Disease mechanism: loss of function.

Submission:

National Molecular Genetics Centre of Cancer Research, N.N. Alexandrov National Cancer Centre of Belarus
Classification: Pathogenic for Familial adenomatous polyposis 1. Review status: criteria provided, single submitter. Criteria: ACMG Guidelines, 2015. Collection method: clinical testing. Allele origin: germline. Inheritance: Autosomal dominant inheritance. Affected: yes.
Comment: This variant was classified as: Pathogenic. The following ACMG 2015 criteria were applied: PVS1 (frameshift), PM2 (absent in Gnomad), PP4 (phenotype).